The following is an entry in ClinVar:

ClinVar aggregate classification (germline): Uncertain significance (1 of 4 stars; one submission).

Conditions:
Hereditary cancer-predisposing syndrome. Also called: Tumor predisposition; Hereditary neoplastic syndrome; Hereditary Cancer Syndrome; Neoplastic Syndromes, Hereditary. Identifiers: Orphanet 140162, MedGen C0027672, MeSH D009386, MONDO:0015356.

Submission:

Ambry Genetics
Classification: Uncertain significance for Hereditary cancer-predisposing syndrome. Last evaluated: 2025-06-13. Review status: criteria provided, single submitter. Criteria: Ambry Variant Classification Scheme 2023. Collection method: clinical testing. Allele origin: germline.
Comment: The p.A657T variant (also known as c.1969G>A), located in coding exon 13 of the TSC1 gene, results from a G to A substitution at nucleotide position 1969. The alanine at codon 657 is replaced by threonine, an amino acid with similar properties. This amino acid position is well conserved in available vertebrate species. In addition, this alteration is predicted to be tolerated by in silico analysis. Based on the available evidence, the clinical significance of this variant remains unclear.

NM_000368.5(TSC1):c.1969G>A (p.Ala657Thr)

Gene: TSC1 (TSC complex subunit 1; minus strand). Cytogenetic location: 9q34.13.
Variant type: single nucleotide variant.
Coding change: c.1969G>A on transcript NM_000368.5 (MANE Select); coding-DNA position 1969, G replaced by A.
Protein change: p.Ala657Thr; replaces alanine 657 with threonine.
Molecular consequence: missense variant. On other transcripts: non-coding transcript variant (5).
Genome position (GRCh38, 1-based): chr9:132,905,609, C>T on the plus strand (G>A on the coding strand, the complement: TSC1 is on the minus strand). VCF-style: chr9-132905609-C-T. GRCh37 (hg19) VCF-style: chr9-135780996-C-T.
Other names: c.1813G>A, p.Ala605Thr (NM_001406611.1, NM_001406612.1, NM_001406613.1); c.1606G>A, p.Ala536Thr (NM_001406614.1, NM_001406615.1, NM_001406616.1 and 5 more transcripts); c.1603G>A, p.Ala535Thr (NM_001406620.1, NM_001406621.1, NM_001406622.1 and 2 more transcripts); c.1966G>A, p.Ala656Thr (NM_001162426.2, NM_001406597.1, NM_001406598.1 and 6 more transcripts); c.1816G>A, p.Ala606Thr (NM_001162427.2, NM_001406610.1); c.1969G>A, p.Ala657Thr (NM_001406592.1, NM_001406593.1, NM_001406594.1 and 7 more transcripts); c.1018G>A, p.Ala340Thr (NM_001406626.1); c.1015G>A, p.Ala339Thr (NM_001406627.1, NM_001406628.1); and 1 more; short protein forms A339T, A656T, A306T, A340T, A535T, A605T, A657T, A536T.
Identifiers: ClinVar variation 3974580 (VCV003974580.1).
Genomic context (GRCh38, chr9:132,905,609, plus strand): 5'-TTAACACAGAAGAGAGTGCCCCAGTCCCTTACTTGTTCAGCTCCTTGCTGTGCGCGTCTG[C>T]TCCCTGCTGTATCAGTCTGTCCAGCACTTCCATTGGGGAGGTAGAGGGCACACCATCTTC-3'
Protein context (NP_000359.1, residues 647-667): EVLDRLIQQG[Ala657Thr]DAHSKELNKL